The following is an entry in ClinVar:

NM_014908.4(DOLK):c.1282del (p.Gln428fs)

Gene: DOLK (dolichol kinase; minus strand). Cytogenetic location: 9q34.11.
Variant type: Deletion.
Coding change: c.1282del on transcript NM_014908.4 (MANE Select); coding-DNA position 1282, one base deleted (C; older notation c.1282delC).
Protein change: p.Gln428fs; shifts the reading frame from glutamine 428.
Molecular consequence: frameshift variant.
Genome position (GRCh38, 1-based): chr9:128,946,022, G deleted on the plus strand (C on the coding strand, the reverse complement: DOLK is on the minus strand). VCF-style (leftmost placement, unchanged base first): chr9-128946021-TG-T. GRCh37 (hg19) VCF-style: chr9-131708300-TG-T.
Other names: short protein forms Q428fs.
Identifiers: ClinVar variation 2017496 (VCV002017496.4), dbSNP rs770030773, ClinGen allele CA5271593.

ClinVar aggregate classification (germline): Uncertain significance (1 of 4 stars; one submission).

Conditions:
DK1-congenital disorder of glycosylation. Also called: CONGENITAL DISORDER OF GLYCOSYLATION, TYPE Im; CDG Im; DK1 DEFICIENCY; DOLICHOL KINASE DEFICIENCY; DK1-CDG; DOLK-congenital disorder of glycosylation. Identifiers: Orphanet 91131, MedGen C1835849, MONDO:0012556, OMIM 610768.

Allele frequency attached by ClinVar (database versions not stated): ExAC 0.00001; ESP Exome Variant Server 0.00008.

Submission:

Labcorp Genetics (formerly Invitae), Labcorp
Classification: Uncertain significance for DK1-congenital disorder of glycosylation. Last evaluated: 2022-07-15. Review status: criteria provided, single submitter. Criteria: Invitae Variant Classification Sherloc (09022015). Collection method: clinical testing. Allele origin: germline.
Comment: Experimental studies and prediction algorithms are not available or were not evaluated, and the functional significance of this variant is currently unknown. This variant has not been reported in the literature in individuals affected with DOLK-related conditions. This variant is present in population databases (rs770030773, gnomAD 0.0009%). This sequence change creates a premature translational stop signal (p.Gln428Argfs*50) in the DOLK gene. While this is not anticipated to result in nonsense mediated decay, it is expected to disrupt the last 111 amino acid(s) of the DOLK protein. In summary, the available evidence is currently insufficient to determine the role of this variant in disease. Therefore, it has been classified as a Variant of Uncertain Significance.